The following is an entry in ClinVar:

NM_182961.4(SYNE1):c.12596T>A (p.Leu4199Ter)

Gene: SYNE1 (spectrin repeat containing nuclear envelope protein 1; minus strand). Cytogenetic location: 6q25.2.
Variant type: single nucleotide variant.
Coding change: c.12596T>A on transcript NM_182961.4 (MANE Select); coding-DNA position 12596, T replaced by A.
Protein change: p.Leu4199Ter; replaces leucine 4199 with a stop codon.
Molecular consequence: nonsense.
Genome position (GRCh38, 1-based): chr6:152,334,206, A>T on the plus strand (T>A on the coding strand, the complement: SYNE1 is on the minus strand). VCF-style: chr6-152334206-A-T. GRCh37 (hg19) VCF-style: chr6-152655341-A-T.
Other names: c.12383T>A, p.Leu4128Ter (NM_033071.5); short protein forms L4128*, L4199*.
Identifiers: ClinVar variation 1999687 (VCV001999687.4), dbSNP rs2485626958, ClinGen allele CA366106613.

ClinVar aggregate classification (germline): Pathogenic (1 of 4 stars; one submission).

Conditions:
Autosomal recessive ataxia, Beauce type. Also called: SYNE1 Deficiency; Spinocerebellar ataxia, autosomal recessive 8; ATAXIA, RECESSIVE, OF BEAUCE; SYNE1-Related Autosomal Recessive Cerebellar Ataxia. Identifiers: Orphanet 88644, MedGen C1853116, MONDO:0012549, OMIM 610743.
Emery-Dreifuss muscular dystrophy 4, autosomal dominant (EDMD4). Also called: EMERY-DREIFUSS MUSCULAR DYSTROPHY 4 WITH VARIABLE FEATURES. Identifiers: Orphanet 261, MedGen C2751807, MONDO:0013071, OMIM 612998.

Submission:

Labcorp Genetics (formerly Invitae), Labcorp
Classification: Pathogenic for Emery-Dreifuss muscular dystrophy 4, autosomal dominant; Autosomal recessive ataxia, Beauce type. Last evaluated: 2022-05-27. Review status: criteria provided, single submitter. Criteria: Invitae Variant Classification Sherloc (09022015). Collection method: clinical testing. Allele origin: germline.
Comment: This sequence change creates a premature translational stop signal (p.Leu4128*) in the SYNE1 gene. It is expected to result in an absent or disrupted protein product. Loss-of-function variants in SYNE1 are known to be pathogenic (PMID: 19542096, 24319099, 27086870). This variant is not present in population databases (gnomAD no frequency). This variant has not been reported in the literature in individuals affected with SYNE1-related conditions. For these reasons, this variant has been classified as Pathogenic.

Literature cited by the submitters: PubMed 19542096; PubMed 24319099; PubMed 27086870.